The following is an entry in ClinVar:

NM_005359.6(SMAD4):c.1420T>A (p.Ser474Thr)

Gene: SMAD4 (SMAD family member 4; plus strand). Cytogenetic location: 18q21.2.
Variant type: single nucleotide variant.
Coding change: c.1420T>A on transcript NM_005359.6 (MANE Select); coding-DNA position 1420, T replaced by A.
Protein change: p.Ser474Thr; replaces serine 474 with threonine.
Molecular consequence: missense variant.
Genome position (GRCh38, 1-based): chr18:51,076,749, T>A. VCF-style: chr18-51076749-T-A. GRCh37 (hg19) VCF-style: chr18-48603119-T-A.
Other names: c.1420T>A, p.Ser474Thr (NM_001407041.1, NM_001407042.1); short protein forms S474T.
Identifiers: ClinVar variation 2123126 (VCV002123126.4), dbSNP rs2144474544, ClinGen allele CA402465341.

ClinVar aggregate classification (germline): Uncertain significance (1 of 4 stars; one submission).

Conditions:
Juvenile polyposis syndrome (JPS). Identifiers: Orphanet 2929, MedGen C0345893, MONDO:0017380, OMIM 174900.

Submission:

Labcorp Genetics (formerly Invitae), Labcorp
Classification: Uncertain significance for Juvenile polyposis syndrome. Last evaluated: 2022-04-08. Review status: criteria provided, single submitter. Criteria: Invitae Variant Classification Sherloc (09022015). Collection method: clinical testing. Allele origin: germline.
Comment: This sequence change replaces serine, which is neutral and polar, with threonine, which is neutral and polar, at codon 474 of the SMAD4 protein (p.Ser474Thr). This variant is not present in population databases (gnomAD no frequency). In summary, the available evidence is currently insufficient to determine the role of this variant in disease. Therefore, it has been classified as a Variant of Uncertain Significance. Advanced modeling of protein sequence and biophysical properties (such as structural, functional, and spatial information, amino acid conservation, physicochemical variation, residue mobility, and thermodynamic stability) performed at Invitae indicates that this missense variant is not expected to disrupt SMAD4 protein function. This variant has not been reported in the literature in individuals affected with SMAD4-related conditions.